The following is an entry in ClinVar:

ClinVar aggregate classification (germline): Uncertain significance. Review status: criteria provided, multiple submitters, no conflicts (2 of 4 stars). 2 submissions from 2 submitters: Uncertain significance (2). Last evaluated 2024-06-18.

Conditions:
Dilated cardiomyopathy 1G (CMD1G). Identifiers: Orphanet 154, MedGen C1858763, MONDO:0011400, OMIM 604145.

Submissions (2):

GeneDx
Classification: Uncertain significance. Last evaluated: 2024-06-18. Review status: criteria provided, single submitter. Criteria: GeneDx Variant Classification Process June 2021. Collection method: clinical testing. Allele origin: germline. Affected: yes.
Comment: Not observed at significant frequency in large population cohorts (gnomAD); Missense variant in a gene in which most reported pathogenic variants are truncating/loss of function; Has not been previously published as pathogenic or benign to our knowledge

Baylor Genetics
Classification: Uncertain significance for Dilated cardiomyopathy 1G. Last evaluated: 2023-07-19. Review status: criteria provided, single submitter. Criteria: ACMG Guidelines, 2015. Collection method: clinical testing. Allele origin: unknown.

NM_001267550.2(TTN):c.49609A>C (p.Ser16537Arg)

Genes: TTN-AS1 (TTN antisense RNA 1; plus strand), TTN (titin; minus strand). Cytogenetic location: 2q31.2.
Variant type: single nucleotide variant.
Coding change: c.49609A>C on transcript NM_001267550.2 (MANE Select); coding-DNA position 49609, A replaced by C.
Protein change: p.Ser16537Arg; replaces serine 16537 with arginine.
Molecular consequence: missense variant.
Genome position (GRCh38, 1-based): chr2:178,613,200, T>G on the plus strand (A>C on the coding strand, the complement: TTN is on the minus strand). VCF-style: chr2-178613200-T-G. GRCh37 (hg19) VCF-style: chr2-179477927-T-G.
Other names: c.44686A>C, p.Ser14896Arg (NM_001256850.1); c.22414A>C, p.Ser7472Arg (NM_003319.4); c.41905A>C, p.Ser13969Arg (NM_133378.4); c.22789A>C, p.Ser7597Arg (NM_133432.3); c.22990A>C, p.Ser7664Arg (NM_133437.4); short protein forms S13969R, S14896R, S16537R, S7472R, S7597R, S7664R.
Identifiers: ClinVar variation 2582651 (VCV002582651.2), dbSNP rs2470581342, ClinGen allele CA349601983.